The following is an entry in ClinVar:

NM_016459.4(MZB1):c.567C>G (p.Leu189=)

Gene: MZB1 (marginal zone B and B1 cell specific protein; minus strand). Cytogenetic location: 5q31.2.
Variant type: single nucleotide variant.
Coding change: c.567C>G on transcript NM_016459.4 (MANE Select); coding-DNA position 567, C replaced by G.
Protein change: p.Leu189=; no amino-acid change (leucine 189 retained).
Molecular consequence: synonymous variant.
Genome position (GRCh38, 1-based): chr5:139,387,768, G>C on the plus strand (C>G on the coding strand, the complement: MZB1 is on the minus strand). VCF-style: chr5-139387768-G-C. GRCh37 (hg19) VCF-style: chr5-138723457-G-C.
Identifiers: ClinVar variation 2655730 (VCV002655730.24), dbSNP rs150466273, ClinGen allele CA3434377.

ClinVar aggregate classification (germline): Likely benign (1 of 4 stars; one submission).

Allele frequency attached by ClinVar (database versions not stated): 1000 Genomes Project 30x 0.00047; 1000 Genomes Project 0.00060; ExAC 0.00157; gnomAD 0.00182; TOPMed 0.00203; gnomAD exomes 0.00293; ESP Exome Variant Server 0.00303.
gnomAD v4.1: 4,314 of 1,541,336 alleles (0.28%); highest among the groups gnomAD compares: Non-Finnish European, 0.35%; 18 homozygotes.

Submission:

CeGaT Center for Human Genetics Tuebingen
Classification: Likely benign. Last evaluated: 2023-03-01. Review status: criteria provided, single submitter. Criteria: CeGaT Center For Human Genetics Tuebingen Variant Classification Criteria Version 2. Collection method: clinical testing. Allele origin: germline. Affected: yes. Observed: 1 variant allele.
Comment: MZB1: BP4, BP7